The following is an entry in ClinVar:

NM_000238.4(KCNH2):c.2692+2_2692+4del

Gene: KCNH2 (potassium voltage-gated channel subfamily H member 2; minus strand). Cytogenetic location: 7q36.1.
Variant type: Deletion.
Coding change: c.2692+2_2692+4del on transcript NM_000238.4 (MANE Select); the canonical splice donor site of the intron after coding-DNA position 2692 through 4 bases into the intron after coding-DNA position 2692, 3 bases deleted (TGA; older notation c.2692+2_2692+4delTGA).
Molecular consequence: splice donor variant.
Genome position (GRCh38, 1-based): chr7:150,948,440-150,948,442, TCA deleted on the plus strand (TGA on the coding strand, the reverse complement: KCNH2 is on the minus strand). VCF-style (leftmost placement, unchanged base first): chr7-150948439-CTCA-C. GRCh37 (hg19) VCF-style: chr7-150645527-CTCA-C.
Other names: c.2404+2_2404+4del (NM_001406753.1); c.1672+2_1672+4del (NM_172057.3).
Identifiers: ClinVar variation 3076015 (VCV003076015.1), dbSNP rs1308270290, ClinGen allele CA578701792.

ClinVar aggregate classification (germline): Likely pathogenic (1 of 4 stars; one submission).

Conditions:
Familial long QT syndrome (RWS). Also called: Romano-Ward syndrome; VENTRICULAR FIBRILLATION WITH PROLONGED QT INTERVAL; Congenital long QT syndrome. Identifiers: Orphanet 768, MedGen C1141890, MONDO:0019171.

Submission:

Laboratory for Molecular Medicine, Mass General Brigham Personalized Medicine
Classification: Likely pathogenic for Familial long QT syndrome. Last evaluated: 2015-10-27. Review status: criteria provided, single submitter. Criteria: ACMG Guidelines, 2015. Collection method: clinical testing. Allele origin: germline. Inheritance: Autosomal dominant inheritance.
Comment: The c.2692+2_2692+4delTGA variant in KCNH2 has not been previously reported in individuals with Long QT syndrome and was absent from large population studies, though the ability of these studies to accurately detect indels may be limited. This variant is a deletion of 3 bases that occurs in the invariant region (+/- 1,2) of the splice consensus sequence and is predicted to cause altered splicing leading to an abnormal or absent protein. Heterozygous loss of function of function of the KCNH2 gene is associated with Long QT syndrome. In summary, although additional studies are required to fully establish its clinical significance, the c.2692+2_2692+4delTGA variant is likely pathogenic.